The following is an entry in ClinVar:

ClinVar aggregate classification (germline): Uncertain significance (1 of 4 stars; one submission).

Allele frequency attached by ClinVar (database versions not stated): gnomAD exomes 0.00001.

Submission:

Labcorp Genetics (formerly Invitae), Labcorp
Classification: Uncertain significance. Last evaluated: 2020-03-09. Review status: criteria provided, single submitter. Criteria: Invitae Variant Classification Sherloc (09022015). Collection method: clinical testing. Allele origin: germline.
Comment: Algorithms developed to predict the effect of missense changes on protein structure and function output the following: SIFT: "Tolerated"; PolyPhen-2: "Benign"; Align-GVGD: "Class C0". The glycine amino acid residue is found in multiple mammalian species, suggesting that this missense change does not adversely affect protein function. These predictions have not been confirmed by published functional studies and their clinical significance is uncertain. In summary, the available evidence is currently insufficient to determine the role of this variant in disease. Therefore, it has been classified as a Variant of Uncertain Significance. This variant has not been reported in the literature in individuals with REST-related conditions. This variant is not present in population databases (ExAC no frequency). This sequence change replaces serine with glycine at codon 854 of the REST protein (p.Ser854Gly). The serine residue is moderately conserved and there is a small physicochemical difference between serine and glycine.

NM_005612.5(REST):c.2560A>G (p.Ser854Gly)

Gene: REST (RE1 silencing transcription factor; plus strand). Cytogenetic location: 4q12.
Variant type: single nucleotide variant.
Coding change: c.2560A>G on transcript NM_005612.5 (MANE Select); coding-DNA position 2560, A replaced by G.
Protein change: p.Ser854Gly; replaces serine 854 with glycine.
Molecular consequence: missense variant.
Genome position (GRCh38, 1-based): chr4:56,931,418, A>G. VCF-style: chr4-56931418-A-G. GRCh37 (hg19) VCF-style: chr4-57797584-A-G.
Other names: c.2560A>G, p.Ser854Gly (NM_001193508.2, NM_001363453.3); short protein forms S854G.
Identifiers: ClinVar variation 1057245 (VCV001057245.9), dbSNP rs1411109400, ClinGen allele CA357009048.
Genomic context (GRCh38, chr4:56,931,418, plus strand): 5'-GAGCAAGTCCTTATTGAAGTTGGCTTAGTGCCTGTTAAAGATAGCTGGCTTCTAAAGGAA[A>G]GTGTAAGCACAGAGGATCTCTCACCACCATCACCACCACTGCCAAAGGAAAATTTAAGAG-3'
Protein context (NP_005603.3, residues 844-864): PVKDSWLLKE[Ser854Gly]VSTEDLSPPS